The following is an entry in ClinVar:

NM_015202.5(KATNIP):c.2063G>A (p.Arg688Lys)

Gene: KATNIP (katanin interacting protein; plus strand). Cytogenetic location: 16p12.1.
Variant type: single nucleotide variant.
Coding change: c.2063G>A on transcript NM_015202.5 (MANE Select); coding-DNA position 2063, G replaced by A.
Protein change: p.Arg688Lys; replaces arginine 688 with lysine.
Molecular consequence: missense variant.
Genome position (GRCh38, 1-based): chr16:27,740,360, G>A. VCF-style: chr16-27740360-G-A. GRCh37 (hg19) VCF-style: chr16-27751681-G-A.
Other names: c.2063G>A (NM_015202.2); short protein forms R688K.
Identifiers: ClinVar variation 1914254 (VCV001914254.4), dbSNP rs199749743, ClinGen allele CA7977889.
Genomic context (GRCh38, chr16:27,740,360, plus strand): 5'-ATGCAAAGCTTTCTTCACAAGGAAATGTGTCTGGCAAAAGAAAGAATTCTACTAATTGCA[G>A]GAAAGACAGTTTGTCCCAGTTAGAGGAATATTTGAGACTGTCGGCAGTCCCCACTTCGAT-3'
Protein context (NP_056017.4, residues 678-698): SGKRKNSTNC[Arg688Lys]KDSLSQLEEY

ClinVar aggregate classification (germline): Uncertain significance. Review status: criteria provided, multiple submitters, no conflicts (2 of 4 stars). 2 submissions from 2 submitters: Uncertain significance (2). Last evaluated 2025-08-27.

Allele frequency attached by ClinVar (database versions not stated): TOPMed 0.00004; gnomAD 0.00006; ESP Exome Variant Server 0.00008; ExAC 0.00010; 1000 Genomes Project 30x 0.00031; 1000 Genomes Project 0.00040.
gnomAD v4.1: 99 of 1,614,178 alleles (0.0061%); highest among the groups gnomAD compares: Non-Finnish European, 0.007%; no homozygotes.

Submissions (2):

Ambry Genetics
Classification: Uncertain significance. Last evaluated: 2025-08-27. Review status: criteria provided, single submitter. Criteria: Ambry Variant Classification Scheme 2023. Collection method: clinical testing. Allele origin: germline.

Labcorp Genetics (formerly Invitae), Labcorp
Classification: Uncertain significance. Last evaluated: 2022-03-04. Review status: criteria provided, single submitter. Criteria: Invitae Variant Classification Sherloc (09022015). Collection method: clinical testing. Allele origin: germline.
Comment: In summary, the available evidence is currently insufficient to determine the role of this variant in disease. Therefore, it has been classified as a Variant of Uncertain Significance. Algorithms developed to predict the effect of missense changes on protein structure and function (SIFT, PolyPhen-2, Align-GVGD) all suggest that this variant is likely to be tolerated. This variant has not been reported in the literature in individuals affected with KIAA0556-related conditions. This variant is present in population databases (rs199749743, gnomAD 0.02%). This sequence change replaces arginine, which is basic and polar, with lysine, which is basic and polar, at codon 688 of the KIAA0556 protein (p.Arg688Lys).